The following is an entry in ClinVar:

NM_012254.3(SLC27A5):c.130G>A (p.Val44Met)

Gene: SLC27A5 (solute carrier family 27 member 5; minus strand). Cytogenetic location: 19q13.43.
Variant type: single nucleotide variant.
Coding change: c.130G>A on transcript NM_012254.3 (MANE Select); coding-DNA position 130, G replaced by A.
Protein change: p.Val44Met; replaces valine 44 with methionine.
Molecular consequence: missense variant.
Genome position (GRCh38, 1-based): chr19:58,511,826, C>T on the plus strand (G>A on the coding strand, the complement: SLC27A5 is on the minus strand). VCF-style: chr19-58511826-C-T. GRCh37 (hg19) VCF-style: chr19-59023193-C-T.
Other names: c.130G>A, p.Val44Met (NM_001321196.2); short protein forms V44M.
Identifiers: ClinVar variation 2520240 (VCV002520240.5), dbSNP rs764918463, ClinGen allele CA9718345.

ClinVar aggregate classification (germline): Uncertain significance. Review status: criteria provided, multiple submitters, no conflicts (2 of 4 stars). 3 submissions from 3 submitters: Uncertain significance (3). Last evaluated 2026-06-22.

Conditions:
SLC27A5-related disorder. Also called: SLC27A5-related condition.

Allele frequency attached by ClinVar (database versions not stated): TOPMed 0.00009; gnomAD 0.00010; gnomAD exomes 0.00010; ExAC 0.00020.

Submissions (3):

PreventionGenetics, part of Exact Sciences
Classification: Uncertain significance for SLC27A5-related condition. Last evaluated: 2026-06-22. Review status: criteria provided, single submitter. Criteria: ACMG Guidelines, 2015. Collection method: clinical testing. Allele origin: germline.
Comment: The SLC27A5 c.130G>A variant is predicted to result in the amino acid substitution p.Val44Met. To our knowledge, this variant has not been reported in the literature. This variant is reported in 0.018% of alleles in individuals of European (Non-Finnish) descent in gnomAD. At this time, the clinical significance of this variant is uncertain due to the absence of conclusive functional and genetic evidence.

Labcorp Genetics (formerly Invitae), Labcorp
Classification: Uncertain significance. Last evaluated: 2025-11-04. Review status: criteria provided, single submitter. Criteria: Invitae Variant Classification Sherloc (09022015). Collection method: clinical testing. Allele origin: germline.
Comment: This sequence change replaces valine, which is neutral and non-polar, with methionine, which is neutral and non-polar, at codon 44 of the SLC27A5 protein (p.Val44Met). This variant is present in population databases (rs764918463, gnomAD 0.02%). This variant has not been reported in the literature in individuals affected with SLC27A5-related conditions. ClinVar contains an entry for this variant (Variation ID: 2520240). An algorithm developed to predict the effect of missense changes on protein structure and function outputs the following: PolyPhen-2: "Benign". The methionine amino acid residue is found in multiple mammalian species, which suggests that this missense change does not adversely affect protein function. In summary, the available evidence is currently insufficient to determine the role of this variant in disease. Therefore, it has been classified as a Variant of Uncertain Significance.

Ambry Genetics
Classification: Uncertain significance. Last evaluated: 2023-04-20. Review status: criteria provided, single submitter. Criteria: Ambry Variant Classification Scheme 2023. Collection method: clinical testing. Allele origin: germline.